The following is an entry in ClinVar:

ClinVar aggregate classification (germline): Uncertain significance (1 of 4 stars; one submission).

gnomAD v4.1: 3 of 1,613,986 alleles (0.00019%); highest among the groups gnomAD compares: Admixed American, 0.005%; no homozygotes.

Submission:

Labcorp Genetics (formerly Invitae), Labcorp
Classification: Uncertain significance. Last evaluated: 2025-01-20. Review status: criteria provided, single submitter. Criteria: Invitae Variant Classification Sherloc (09022015). Collection method: clinical testing. Allele origin: germline.
Comment: This sequence change replaces alanine, which is neutral and non-polar, with proline, which is neutral and non-polar, at codon 914 of the CSF1R protein (p.Ala914Pro). This variant is present in population databases (no rsID available, gnomAD 0.003%). This variant has not been reported in the literature in individuals affected with CSF1R-related conditions. ClinVar contains an entry for this variant (Variation ID: 2993573). Invitae Evidence Modeling of protein sequence and biophysical properties (such as structural, functional, and spatial information, amino acid conservation, physicochemical variation, residue mobility, and thermodynamic stability) indicates that this missense variant is not expected to disrupt CSF1R protein function with a negative predictive value of 95%. In summary, the available evidence is currently insufficient to determine the role of this variant in disease. Therefore, it has been classified as a Variant of Uncertain Significance.

NM_001288705.3(CSF1R):c.2740G>C (p.Ala914Pro)

Gene: CSF1R (colony stimulating factor 1 receptor; minus strand). Cytogenetic location: 5q32.
Variant type: single nucleotide variant.
Coding change: c.2740G>C on transcript NM_001288705.3 (MANE Select); coding-DNA position 2740, G replaced by C.
Protein change: p.Ala914Pro; replaces alanine 914 with proline.
Molecular consequence: missense variant. On other transcripts: non-coding transcript variant (2).
Genome position (GRCh38, 1-based): chr5:150,054,345, C>G on the plus strand (G>C on the coding strand, the complement: CSF1R is on the minus strand). VCF-style: chr5-150054345-C-G. GRCh37 (hg19) VCF-style: chr5-149433908-C-G.
Other names: c.2740G>C, p.Ala914Pro (NM_001349736.2, NM_001375320.1, NM_005211.4); c.2296G>C, p.Ala766Pro (NM_001375321.1); short protein forms A914P, A766P.
Identifiers: ClinVar variation 2993573 (VCV002993573.3), dbSNP rs549775847, ClinGen allele CA361756942.
Genomic context (GRCh38, chr5:150,054,345, plus strand): 5'-TTTACCGGCCACCCACCCCAAGCCTCACCCCACTCACCCGCTCTCTCCTGTCCTCTTGGG[C>G]CTGCTCCTGAAGGAAGGAGCAGATCTGCTGGAAGGTGGGTCTGTGGGTGGGCTCCAAGGC-3'
Protein context (NP_001275634.1, residues 904-924): QQICSFLQEQ[Ala914Pro]QEDRRERDYT